The following is an entry in ClinVar:

NM_017986.4(SLC52A1):c.563C>T (p.Pro188Leu)

Gene: SLC52A1 (solute carrier family 52 member 1; minus strand). Cytogenetic location: 17p13.2.
Variant type: single nucleotide variant.
Coding change: c.563C>T on transcript NM_017986.4 (MANE Select); coding-DNA position 563, C replaced by T.
Protein change: p.Pro188Leu; replaces proline 188 with leucine.
Molecular consequence: missense variant.
Genome position (GRCh38, 1-based): chr17:5,033,926, G>A on the plus strand (C>T on the coding strand, the complement: SLC52A1 is on the minus strand). VCF-style: chr17-5033926-G-A. GRCh37 (hg19) VCF-style: chr17-4937221-G-A.
Other names: c.563C>T (NM_001104577.1); c.563C>T, p.Pro188Leu (NM_001104577.2); short protein forms P188L.
Identifiers: ClinVar variation 2047980 (VCV002047980.7), dbSNP rs369721411, ClinGen allele CA8319761.
Genomic context (GRCh38, chr17:5,033,926, plus strand): 5'-GCTGAAGTGACCAGAAGGGCAGTCAGTGCCCAGAAGAAGGTGCTGGCAGGAAAACGCTCA[G>A]GGAAGTCGAGGGGAGGCCCAGAGGTGCCATTGGTGGGCGCTGGTGGGCACTCGAGGCGGC-3'
Protein context (NP_060456.3, residues 178-198): NGTSGPPLDF[Pro188Leu]ERFPASTFFW

ClinVar aggregate classification (germline): Uncertain significance. Review status: criteria provided, multiple submitters, no conflicts (2 of 4 stars). 4 submissions from 4 submitters: Uncertain significance (4). Last evaluated 2026-01-12.

Conditions:
Vitamin B2 deficiency. Identifiers: MedGen C0035528.
Ariboflavinosis. Identifiers: MedGen C5779638, MONDO:0004573, OMIM 615026.

Allele frequency attached by ClinVar (database versions not stated): gnomAD exomes below 0.00001; ExAC 0.00001; gnomAD 0.00002; TOPMed 0.00002.
gnomAD v4.1: 21 of 1,614,230 alleles (0.0013%); highest among the groups gnomAD compares: Admixed American, 0.0067%; no homozygotes.

Submissions (4):

Labcorp Genetics (formerly Invitae), Labcorp
Classification: Uncertain significance for Vitamin B2 deficiency. Last evaluated: 2026-01-12. Review status: criteria provided, single submitter. Criteria: Invitae Variant Classification Sherloc (09022015). Collection method: clinical testing. Allele origin: germline.
Comment: This sequence change replaces proline, which is neutral and non-polar, with leucine, which is neutral and non-polar, at codon 188 of the SLC52A1 protein (p.Pro188Leu). This variant is present in population databases (rs369721411, gnomAD 0.01%). This variant has not been reported in the literature in individuals affected with SLC52A1-related conditions. ClinVar contains an entry for this variant (Variation ID: 2047980). An algorithm developed to predict the effect of missense changes on protein structure and function (PolyPhen-2) suggests that this variant is likely to be tolerated. In summary, the available evidence is currently insufficient to determine the role of this variant in disease. Therefore, it has been classified as a Variant of Uncertain Significance.

Ambry Genetics
Classification: Uncertain significance. Last evaluated: 2024-10-01. Review status: criteria provided, single submitter. Criteria: Ambry Variant Classification Scheme 2023. Collection method: clinical testing. Allele origin: germline.

ARUP Laboratories, Molecular Genetics and Genomics, ARUP Laboratories
Classification: Uncertain significance for Ariboflavinosis. Last evaluated: 2024-07-30. Review status: criteria provided, single submitter. Criteria: ARUP Molecular Germline Variant Investigation Process 2024. Collection method: clinical testing. Allele origin: germline.
Comment: The SLC52A1 c.563C>T; p.Pro188Leu variant (rs369721411), to our knowledge, is not reported in the medical literature but is reported in ClinVar (Variation ID: 2047980). This variant is only observed on one allele in the Genome Aggregation Database (v2.1.1), indicating it is not a common polymorphism. Computational analyses predict that this variant is neutral (REVEL: 0.118). Due to limited information, the clinical significance of this variant is uncertain at this time.

Fulgent Genetics
Classification: Uncertain significance for Ariboflavinosis. Last evaluated: 2024-02-26. Review status: criteria provided, single submitter. Criteria: ACMG Guidelines, 2015. Collection method: clinical testing. Allele origin: germline.